The following is an entry in ClinVar:

NM_024757.5(EHMT1):c.580C>T (p.Pro194Ser)

Gene: EHMT1 (euchromatic histone lysine methyltransferase 1; plus strand). Cytogenetic location: 9q34.3.
Variant type: single nucleotide variant.
Coding change: c.580C>T on transcript NM_024757.5 (MANE Select); coding-DNA position 580, C replaced by T.
Protein change: p.Pro194Ser; replaces proline 194 with serine.
Molecular consequence: missense variant.
Genome position (GRCh38, 1-based): chr9:137,717,120, C>T. VCF-style: chr9-137717120-C-T. GRCh37 (hg19) VCF-style: chr9-140611572-C-T.
Other names: c.580C>T, p.Pro194Ser (NM_001145527.2, NM_001354263.2, NM_001354611.2); c.487C>T, p.Pro163Ser (NM_001354259.2, NM_001354612.2); short protein forms P163S, P194S.
Identifiers: ClinVar variation 1806092 (VCV001806092.5), dbSNP rs1464086952, ClinGen allele CA375766122.
Genomic context (GRCh38, chr9:137,717,120, plus strand): 5'-GCCCCACCAGCCACCCTTGGGGAGGGGAGTGCTGACACAGAGGACAGGAAGCTCCCGGCC[C>T]CTGGCGCCGACGTCAAGGTCCACAGGGCACGCAAGACCATGCCGAAGTCCGTCGTGGGCC-3'
Protein context (NP_079033.4, residues 184-204): ADTEDRKLPA[Pro194Ser]GADVKVHRAR

ClinVar aggregate classification (germline): Uncertain significance. Review status: criteria provided, multiple submitters, no conflicts (2 of 4 stars). 3 submissions from 3 submitters: Uncertain significance (3). Last evaluated 2025-08-08.

Conditions:
Inborn genetic diseases. Identifiers: MedGen C0950123, MeSH D030342.
Kleefstra syndrome 1 (KLEFS1). Identifiers: Orphanet 261494, MedGen C0795833, MONDO:0027407, OMIM 610253.

Allele frequency attached by ClinVar (database versions not stated): TOPMed below 0.00001; gnomAD exomes 0.00001.

Submissions (3):

Ambry Genetics
Classification: Uncertain significance for Inborn genetic diseases. Last evaluated: 2025-08-08. Review status: criteria provided, single submitter. Criteria: Ambry Variant Classification Scheme 2023. Collection method: clinical testing. Allele origin: germline.

Labcorp Genetics (formerly Invitae), Labcorp
Classification: Uncertain significance for Kleefstra syndrome 1. Last evaluated: 2025-06-17. Review status: criteria provided, single submitter. Criteria: Invitae Variant Classification Sherloc (09022015). Collection method: clinical testing. Allele origin: germline.
Comment: This sequence change replaces proline, which is neutral and non-polar, with serine, which is neutral and polar, at codon 194 of the EHMT1 protein (p.Pro194Ser). This variant is present in population databases (no rsID available, gnomAD 0.0009%). This variant has not been reported in the literature in individuals affected with EHMT1-related conditions. ClinVar contains an entry for this variant (Variation ID: 1806092). Invitae Evidence Modeling of protein sequence and biophysical properties (such as structural, functional, and spatial information, amino acid conservation, physicochemical variation, residue mobility, and thermodynamic stability) indicates that this missense variant is not expected to disrupt EHMT1 protein function with a negative predictive value of 80%. In summary, the available evidence is currently insufficient to determine the role of this variant in disease. Therefore, it has been classified as a Variant of Uncertain Significance.

Victorian Clinical Genetics Services, Murdoch Childrens Research Institute
Classification: Uncertain significance for Kleefstra syndrome 1. Last evaluated: 2019-08-28. Review status: criteria provided, single submitter. Criteria: ACMG Guidelines, 2015. Collection method: clinical testing. Allele origin: germline. Inheritance: Autosomal dominant inheritance.
Comment: A heterozygous missense variant was identified, NM_024757.4(EHMT1):c.580C>T in exon 3 of 27 of the EHMT1 gene. This substitution is predicted to create a moderate amino acid change from proline to serine at position 194 of the protein, NP_079033.4(EHMT1):p.(Pro194Ser). The proline at this position has low conservation (100 vertebrates, UCSC), and is not situated in a known functional domain. In silico software predicts this variant to be benign (PolyPhen, SIFT, CADD, MutationTaster). The variant is present in the gnomAD population database at a frequency of 0.0004% (1 heterozygote; 0 homozygotes). An alternative residue change to leucine at the same location has been reported in the gnomAD database at a frequency of 0.07% and has been reported as likely benign/benign (ClinVar). The variant has not been previously reported in clinical cases. Based on information available at the time of curation, this variant has been classified as a VARIANT of UNCERTAIN SIGNIFICANCE (VUS) with LOW CLINICAL RELEVANCE.